The following is an entry in ClinVar:

NM_001458.5(FLNC):c.3424G>T (p.Gly1142Cys)

Gene: FLNC (filamin C; plus strand). Cytogenetic location: 7q32.1.
Variant type: single nucleotide variant.
Coding change: c.3424G>T on transcript NM_001458.5 (MANE Select); coding-DNA position 3424, G replaced by T.
Protein change: p.Gly1142Cys; replaces glycine 1142 with cysteine.
Molecular consequence: missense variant.
Genome position (GRCh38, 1-based): chr7:128,844,889, G>T. VCF-style: chr7-128844889-G-T. GRCh37 (hg19) VCF-style: chr7-128484943-G-T.
Other names: c.3424G>T, p.Gly1142Cys (NM_001127487.2); short protein forms G1142C.
Identifiers: ClinVar variation 3755447 (VCV003755447.2).
Genomic context (GRCh38, chr7:128,844,889, plus strand): 5'-CTGCCCACGGAGCCTGGCGAGTACACCATCAACATCCTGTTTGCTGAGGCCCACATCCCT[G>T]GCTCGCCCTTCAAAGCCACCATTCGGCCTGTGTTTGACCCGAGCAAGGTGCGGGCCAGTG-3'
Protein context (NP_001449.3, residues 1132-1152): NILFAEAHIP[Gly1142Cys]SPFKATIRPV

ClinVar aggregate classification (germline): Uncertain significance (1 of 4 stars; one submission).

Conditions:
Distal myopathy with posterior leg and anterior hand involvement. Also called: WILLIAMS DISTAL MYOPATHY. Identifiers: Orphanet 63273, MedGen C3279722, MONDO:0013550, OMIM 614065.
Hypertrophic cardiomyopathy 26. Also called: Cardiomyopathy, familial hypertrophic, 26. Identifiers: Orphanet 75249, MedGen C4310749, MONDO:0014883, OMIM 617047.
Myofibrillar myopathy 5. Also called: Filaminopathy (type); FILAMINOPATHY, AUTOSOMAL DOMINANT. Identifiers: Orphanet 171445, MedGen C1836050, MONDO:0012289, OMIM 609524.

Submission:

Labcorp Genetics (formerly Invitae), Labcorp
Classification: Uncertain significance for Distal myopathy with posterior leg and anterior hand involvement; Myofibrillar myopathy 5; Hypertrophic cardiomyopathy 26. Last evaluated: 2024-03-21. Review status: criteria provided, single submitter. Criteria: Invitae Variant Classification Sherloc (09022015). Collection method: clinical testing. Allele origin: germline.
Comment: This sequence change replaces glycine, which is neutral and non-polar, with cysteine, which is neutral and slightly polar, at codon 1142 of the FLNC protein (p.Gly1142Cys). This variant is not present in population databases (gnomAD no frequency). This variant has not been reported in the literature in individuals affected with FLNC-related conditions. Advanced modeling of protein sequence and biophysical properties (such as structural, functional, and spatial information, amino acid conservation, physicochemical variation, residue mobility, and thermodynamic stability) has been performed at Invitae for this missense variant, however the output from this modeling did not meet the statistical confidence thresholds required to predict the impact of this variant on FLNC protein function. In summary, the available evidence is currently insufficient to determine the role of this variant in disease. Therefore, it has been classified as a Variant of Uncertain Significance.